The following is an entry in ClinVar:

ClinVar aggregate classification (germline): Pathogenic/Likely pathogenic. Review status: criteria provided, multiple submitters, no conflicts (2 of 4 stars). 3 submissions from 3 submitters: Pathogenic (2); Likely pathogenic (1). Last evaluated 2025-03-04.

Conditions:
Hereditary cancer-predisposing syndrome. Also called: Neoplastic Syndromes, Hereditary; Tumor predisposition; Hereditary Cancer Syndrome; Hereditary neoplastic syndrome. Identifiers: Orphanet 140162, MedGen C0027672, MeSH D009386, MONDO:0015356.
BAP1-related tumor predisposition syndrome (TPDS1). Also called: BAP1 tumor predisposition syndrome; Tumor susceptibility linked to germline BAP1 mutations; COMMON Syndrome; TUMOR PREDISPOSITION SYNDROME 1. Identifiers: Orphanet 289539, MedGen C3280492, MONDO:0013692, OMIM 614327.

Submissions (3):

Center for Genomic Medicine, Rigshospitalet, Copenhagen University Hospital
Classification: Pathogenic. Last evaluated: 2025-03-04. Review status: criteria provided, single submitter. Criteria: ACMG Guidelines, 2015. Collection method: clinical testing. Allele origin: germline.

Department of Clinical Genetics, Copenhagen University Hospital, Rigshospitalet
Classification: Pathogenic for BAP1-related tumor predisposition syndrome. Last evaluated: 2025-01-10. Review status: criteria provided, single submitter. Criteria: ACMG Guidelines, 2015. Collection method: clinical testing. Allele origin: germline. Affected: yes.
Comment: The following ACMG criteria was used: PVS1 (RNA); PS3; PM2_SUP; PP1

Ambry Genetics
Classification: Likely pathogenic for Hereditary cancer-predisposing syndrome. Last evaluated: 2015-12-07. Review status: criteria provided, single submitter. Criteria: Ambry Variant Classification Scheme 2023. Collection method: clinical testing. Allele origin: germline.
Comment: The c.1708C>G variant (also known as p.L570V), located in coding exon 13 of the BAP1 gene, results from a C to G substitution at nucleotide position 1708. The leucine at codon 570 is replaced by valine, an amino acid with highly similar properties. This variant has previously been identified in a Danish family affected by cutaneous and uveal malignant melanoma (CMM, UMM), paraganglioma, breast cancer and suspected mesothelioma. The variant segregated with disease in at least 6 affected individuals in the family, and was found to result in aberrant splicing based on bioinformatic analysis and splicing assays (Wadt K, et al. Pigment Cell Melanoma Res 2012 Nov; 25(6):815-8). This variant was not reported in population based cohorts in the following databases: Database of Single Nucleotide Polymorphisms (dbSNP), NHLBI Exome Sequencing Project (ESP), and 1000 Genomes Project. In the ESP, this variant was not observed in 6503 samples (13006 alleles) with coverage at this position. To date, this alteration has been detected with an allele frequency of approximately 0.02% (greater than 5000 alleles tested) in our clinical cohort. This nucleotide position is well conserved through mammals. Using the BDGP and ESEfinder splice site prediction tools, this alteration is predicted to create a new alternate splice donor site. Based on the majority of available evidence to date, this variant is likely to be pathogenic.

Literature cited by the submitters: PubMed 22889334 (cited by 3 submitters); PubMed 38969833 (cited by Department of Clinical Genetics, Copenhagen University Hospital, Rigshospitalet).

NM_004656.4(BAP1):c.1708C>G (p.Leu570Val)

Gene: BAP1 (BRCA1 associated deubiquitinase 1; minus strand). Cytogenetic location: 3p21.1.
Variant type: single nucleotide variant.
Coding change: c.1708C>G on transcript NM_004656.4 (MANE Select); coding-DNA position 1708, C replaced by G.
Protein change: p.Leu570Val; replaces leucine 570 with valine.
Molecular consequence: missense variant.
Genome position (GRCh38, 1-based): chr3:52,403,437, G>C on the plus strand (C>G on the coding strand, the complement: BAP1 is on the minus strand). VCF-style: chr3-52403437-G-C. GRCh37 (hg19) VCF-style: chr3-52437453-G-C.
Other names: c.1654C>G, p.Leu552Val (NM_001410772.1); short protein forms L570V, L552V.
Identifiers: ClinVar variation 1778494 (VCV001778494.4), dbSNP rs1553644806, ClinGen allele CA353099654.
Genomic context (GRCh38, chr3:52,403,437, plus strand): 5'-GGGTGCACCAAGTGGCCAGTGAGCCAGTCCAAGGCCCACCTGTCAGCGCCAGGGGACTCA[G>C]CACCCCATCCTCAGCCAGGTGCAGCAGGCCTGTGCTGATGACAGGACCCAGATCACGGAC-3'
Protein context (NP_004647.1, residues 560-580): GLLHLAEDGV[Leu570Val]SPLALTEGGK